The following is an entry in ClinVar:

NM_001040142.2(SCN2A):c.3594G>A (p.Arg1198=)

Gene: SCN2A (sodium voltage-gated channel alpha subunit 2; plus strand). Cytogenetic location: 2q24.3.
Variant type: single nucleotide variant.
Coding change: c.3594G>A on transcript NM_001040142.2 (MANE Select); coding-DNA position 3594, G replaced by A.
Protein change: p.Arg1198=; no amino-acid change (arginine 1198 retained).
Molecular consequence: synonymous variant.
Genome position (GRCh38, 1-based): chr2:165,367,290, G>A. VCF-style: chr2-165367290-G-A. GRCh37 (hg19) VCF-style: chr2-166223800-G-A.
Other names: p.R1198R:AGG>AGA; c.3594G>A, p.Arg1198= (NM_001040143.2, NM_001371246.1, NM_001371247.1 and 1 more transcripts).
Identifiers: ClinVar variation 139013 (VCV000139013.53), dbSNP rs140194137, ClinGen allele CA293247.

ClinVar aggregate classification (germline): Benign/Likely benign. Review status: criteria provided, multiple submitters, no conflicts (2 of 4 stars). 6 submissions from 6 submitters: Benign (3); Likely benign (3). Last evaluated 2026-09-01.

Conditions:
Inborn genetic diseases. Identifiers: MedGen C0950123, MeSH D030342.
Developmental and epileptic encephalopathy, 11 (DEE11). Also called: Early infantile epileptic encephalopathy 11. Identifiers: Orphanet 1934, MedGen C3150987, MONDO:0013388, OMIM 613721.
Seizures, benign familial infantile, 3 (BFIS3). Also called: CONVULSIONS, BENIGN FAMILIAL INFANTILE, 3; Familial neonatal seizures. Identifiers: Orphanet 140927, Orphanet 306, MedGen C1843140, MONDO:0011904, OMIM 607745.

Allele frequency attached by ClinVar (database versions not stated): 1000 Genomes Project 30x 0.00031; 1000 Genomes Project 0.00040; gnomAD 0.00054 and 0.00096; gnomAD exomes 0.00073 and 0.00084; ESP Exome Variant Server 0.00077; ExAC 0.00091; TOPMed 0.00115.
gnomAD v4.1: 1,223 of 1,614,102 alleles (0.076%); highest among the groups gnomAD compares: Middle Eastern, 0.45%; 9 homozygotes.

Submissions (6):

CeGaT Center for Human Genetics Tuebingen
Classification: Likely benign. Last evaluated: 2026-09-01. Review status: criteria provided, single submitter. Criteria: CeGaT Center For Human Genetics Tuebingen Variant Classification Criteria Version 2. Collection method: clinical testing. Allele origin: germline. Affected: yes. Observed: 36 variant alleles.
Comment: SCN2A: BP4, BP7, BS1

Labcorp Genetics (formerly Invitae), Labcorp
Classification: Benign for Seizures, benign familial infantile, 3; Developmental and epileptic encephalopathy, 11. Last evaluated: 2026-02-02. Review status: criteria provided, single submitter. Criteria: Invitae Variant Classification Sherloc (09022015). Collection method: clinical testing. Allele origin: germline.

Blueprint Genetics
Classification: Likely benign. Last evaluated: 2024-11-21. Review status: criteria provided, single submitter. Criteria: ACMG Guidelines, 2015. Collection method: clinical testing. Allele origin: germline.

Illumina Laboratory Services, Illumina
Classification: Benign for Seizures, benign familial infantile, 3. Last evaluated: 2018-01-12. Review status: criteria provided, single submitter. Criteria: ICSL Variant Classification Criteria 13 December 2019. Collection method: clinical testing. Allele origin: germline.
Comment: This variant was observed in the ICSL laboratory as part of a predisposition screen in an ostensibly healthy population. It had not been previously curated by ICSL or reported in the Human Gene Mutation Database (HGMD: prior to June 1st, 2018), and was therefore a candidate for classification through an automated scoring system. Utilizing variant allele frequency, disease prevalence and penetrance estimates, and inheritance mode, an automated score was calculated to assess if this variant is too frequent to cause the disease. Based on the score and internal cut-off values, a variant classified as benign is not then subjected to further curation. The score for this variant resulted in a classification of benign for this disease.

Ambry Genetics
Classification: Likely benign for Inborn genetic diseases. Last evaluated: 2016-08-19. Review status: criteria provided, single submitter. Criteria: Ambry Variant Classification Scheme 2023. Collection method: clinical testing. Allele origin: germline.

GeneDx
Classification: Benign. Last evaluated: 2014-03-06. Review status: criteria provided, single submitter. Criteria: GeneDx Variant Classification (06012015). Collection method: clinical testing. Allele origin: germline. Affected: yes.
Comment: This variant is considered likely benign or benign based on one or more of the following criteria: it is a conservative change, it occurs at a poorly conserved position in the protein, it is predicted to be benign by multiple in silico algorithms, and/or has population frequency not consistent with disease.